The following is an entry in ClinVar:

NM_020937.4(FANCM):c.5849T>C (p.Leu1950Ser)

Gene: FANCM (FA complementation group M; plus strand). Cytogenetic location: 14q21.2.
Variant type: single nucleotide variant.
Coding change: c.5849T>C on transcript NM_020937.4 (MANE Select); coding-DNA position 5849, T replaced by C.
Protein change: p.Leu1950Ser; replaces leucine 1950 with serine.
Molecular consequence: missense variant.
Genome position (GRCh38, 1-based): chr14:45,198,776, T>C. VCF-style: chr14-45198776-T-C. GRCh37 (hg19) VCF-style: chr14-45667979-T-C.
Other names: c.5849T>C (NM_020937.2); c.5771T>C, p.Leu1924Ser (NM_001308133.2); short protein forms L1924S, L1950S.
Identifiers: ClinVar variation 1430896 (VCV001430896.9), dbSNP rs559661870, ClinGen allele CA259603206.

ClinVar aggregate classification (germline): Uncertain significance. Review status: criteria provided, multiple submitters, no conflicts (2 of 4 stars). 2 submissions from 2 submitters: Uncertain significance (2). Last evaluated 2024-12-22.

Conditions:
Fanconi anemia (FA). Also called: Fanconi's anemia. Identifiers: Orphanet 84, MedGen C0015625, MeSH D005199, MONDO:0019391.
Inborn genetic diseases. Identifiers: MedGen C0950123, MeSH D030342.

Allele frequency attached by ClinVar (database versions not stated): gnomAD exomes below 0.00001; gnomAD 0.00002 and 0.00003; TOPMed 0.00002.
gnomAD v4.1: 7 of 1,614,080 alleles (0.00043%); highest among the groups gnomAD compares: African/African-American, 0.0067%; no homozygotes.

Submissions (2):

Ambry Genetics
Classification: Uncertain significance for Inborn genetic diseases. Last evaluated: 2024-12-22. Review status: criteria provided, single submitter. Criteria: Ambry Variant Classification Scheme 2023. Collection method: clinical testing. Allele origin: germline.
Comment: The p.L1950S variant (also known as c.5849T>C), located in coding exon 22 of the FANCM gene, results from a T to C substitution at nucleotide position 5849. The leucine at codon 1950 is replaced by serine, an amino acid with dissimilar properties. This amino acid position is conserved. In addition, this alteration is predicted to be tolerated by in silico analysis. Based on the available evidence, the clinical significance of this variant remains unclear.

Labcorp Genetics (formerly Invitae), Labcorp
Classification: Uncertain significance for Fanconi anemia. Last evaluated: 2023-08-10. Review status: criteria provided, single submitter. Criteria: Invitae Variant Classification Sherloc (09022015). Collection method: clinical testing. Allele origin: germline.
Comment: In summary, the available evidence is currently insufficient to determine the role of this variant in disease. Therefore, it has been classified as a Variant of Uncertain Significance. Algorithms developed to predict the effect of sequence changes on RNA splicing suggest that this variant may create or strengthen a splice site. An algorithm developed to predict the effect of missense changes on protein structure and function (PolyPhen-2) suggests that this variant is likely to be disruptive. ClinVar contains an entry for this variant (Variation ID: 1430896). This variant has not been reported in the literature in individuals affected with FANCM-related conditions. This variant is present in population databases (rs559661870, gnomAD 0.008%). This sequence change replaces leucine, which is neutral and non-polar, with serine, which is neutral and polar, at codon 1950 of the FANCM protein (p.Leu1950Ser).